The following is an entry in ClinVar:

ClinVar aggregate classification (germline): Uncertain significance (1 of 4 stars; one submission).

Allele frequency attached by ClinVar (database versions not stated): gnomAD exomes below 0.00001; gnomAD 0.00001; TOPMed 0.00001.
gnomAD v4.1: 1 of 1,611,804 alleles (0.000062%); highest among the groups gnomAD compares: Admixed American, 0.0017%; no homozygotes.

Submission:

Labcorp Genetics (formerly Invitae), Labcorp
Classification: Uncertain significance. Last evaluated: 2021-12-04. Review status: criteria provided, single submitter. Criteria: Invitae Variant Classification Sherloc (09022015). Collection method: clinical testing. Allele origin: germline.
Comment: In summary, the available evidence is currently insufficient to determine the role of this variant in disease. Therefore, it has been classified as a Variant of Uncertain Significance. Algorithms developed to predict the effect of missense changes on protein structure and function are either unavailable or do not agree on the potential impact of this missense change (SIFT: "Deleterious"; PolyPhen-2: "Benign"; Align-GVGD: "Class C0"). This variant has not been reported in the literature in individuals affected with ANXA11-related conditions. This variant is not present in population databases (gnomAD no frequency). This sequence change replaces alanine, which is neutral and non-polar, with valine, which is neutral and non-polar, at codon 389 of the ANXA11 protein (p.Ala389Val).

NM_145868.2(ANXA11):c.1166C>T (p.Ala389Val)

Gene: ANXA11 (annexin A11; minus strand). Cytogenetic location: 10q22.3.
Variant type: single nucleotide variant.
Coding change: c.1166C>T on transcript NM_145868.2 (MANE Select); coding-DNA position 1166, C replaced by T.
Protein change: p.Ala389Val; replaces alanine 389 with valine.
Molecular consequence: missense variant.
Genome position (GRCh38, 1-based): chr10:80,161,949, G>A on the plus strand (C>T on the coding strand, the complement: ANXA11 is on the minus strand). VCF-style: chr10-80161949-G-A. GRCh37 (hg19) VCF-style: chr10-81921705-G-A.
Other names: c.1166C>T, p.Ala389Val (NM_001157.3, NM_001278407.2, NM_001278408.2 and 1 more transcripts); c.1067C>T, p.Ala356Val (NM_001278409.2); short protein forms A356V, A389V.
Identifiers: ClinVar variation 1394193 (VCV001394193.6), dbSNP rs1416320894, ClinGen allele CA377365310.